The following is an entry in ClinVar:

NM_000051.4(ATM):c.264C>T (p.Ala88=)

Gene: ATM (ATM serine/threonine kinase; plus strand). Cytogenetic location: 11q22.3.
Variant type: single nucleotide variant.
Coding change: c.264C>T on transcript NM_000051.4 (MANE Select); coding-DNA position 264, C replaced by T.
Protein change: p.Ala88=; no amino-acid change (alanine 88 retained).
Molecular consequence: synonymous variant.
Genome position (GRCh38, 1-based): chr11:108,229,256, C>T. VCF-style: chr11-108229256-C-T. GRCh37 (hg19) VCF-style: chr11-108099983-C-T.
Other names: c.264C>T, p.Ala88= (NM_001351834.2, NM_001351835.2, NM_001351836.2).
Identifiers: ClinVar variation 481321 (VCV000481321.16), dbSNP rs1555055190, ClinGen allele CA476668262.

ClinVar aggregate classification (germline): Benign/Likely benign. Review status: criteria provided, multiple submitters, no conflicts (2 of 4 stars). 4 submissions from 4 submitters: Benign (1); Likely benign (3). Last evaluated 2025-09-30.

Conditions:
Hereditary cancer-predisposing syndrome. Also called: Hereditary neoplastic syndrome; Neoplastic Syndromes, Hereditary; Tumor predisposition; Hereditary Cancer Syndrome. Identifiers: Orphanet 140162, MedGen C0027672, MeSH D009386, MONDO:0015356.
Familial cancer of breast. Also called: BREAST CANCER, FAMILIAL; Hereditary breast cancer; hereditary breast carcinoma. Identifiers: Orphanet 227535, MedGen C0346153, MONDO:0016419, OMIM 114480. Disease mechanism: loss of function.
Ataxia-telangiectasia syndrome (AT). Also called: LOUIS-BAR SYNDROME; Cerebello-oculocutaneous telangiectasia; Immunodeficiency with ataxia telangiectasia; AT, COMPLEMENTATION GROUP C; Ataxia-telangiectasia, complementation group D; ATAXIA-TELANGIECTASIA, COMPLEMENTATION GROUP A. Identifiers: Orphanet 100, MedGen C0004135, MONDO:0008840, OMIM 208900.

Submissions (4):

Labcorp Genetics (formerly Invitae), Labcorp
Classification: Likely benign for Ataxia-telangiectasia syndrome. Last evaluated: 2025-09-30. Review status: criteria provided, single submitter. Criteria: Invitae Variant Classification Sherloc (09022015). Collection method: clinical testing. Allele origin: germline.

Color Diagnostics, LLC DBA Color Health
Classification: Likely benign for Hereditary cancer-predisposing syndrome. Last evaluated: 2025-02-10. Review status: criteria provided, single submitter. Criteria: ACMG Guidelines, 2015. Collection method: clinical testing. Allele origin: germline.

Myriad Genetics, Inc.
Classification: Benign for Familial cancer of breast. Last evaluated: 2024-04-18. Review status: criteria provided, single submitter. Criteria: Myriad Autosomal Dominant, Autosomal Recessive and X-Linked Classification Criteria (2023). Collection method: clinical testing. Allele origin: unknown.
Comment: This variant is considered benign. This variant is a silent/synonymous amino acid change and it is not expected to impact splicing.

Ambry Genetics
Classification: Likely benign for Hereditary cancer-predisposing syndrome. Last evaluated: 2016-12-27. Review status: criteria provided, single submitter. Criteria: Ambry Variant Classification Scheme 2023. Collection method: clinical testing. Allele origin: germline.